The following is an entry in ClinVar:

NM_001378457.1(DMXL2):c.8052G>T (p.Met2684Ile)

Gene: DMXL2 (Dmx like 2; minus strand). Cytogenetic location: 15q21.2.
Variant type: single nucleotide variant.
Coding change: c.8052G>T on transcript NM_001378457.1 (MANE Select); coding-DNA position 8052, G replaced by T.
Protein change: p.Met2684Ile; replaces methionine 2684 with isoleucine.
Molecular consequence: missense variant. On other transcripts: non-coding transcript variant (2).
Genome position (GRCh38, 1-based): chr15:51,458,733, C>A on the plus strand (G>T on the coding strand, the complement: DMXL2 is on the minus strand). VCF-style: chr15-51458733-C-A. GRCh37 (hg19) VCF-style: chr15-51750930-C-A.
Other names: c.7989G>T, p.Met2663Ile (NM_001174116.3); c.6078G>T, p.Met2026Ile (NM_001174117.3); c.8049G>T, p.Met2683Ile (NM_001378458.1); c.7764G>T, p.Met2588Ile (NM_001378459.1); c.5967G>T, p.Met1989Ile (NM_001378460.1); c.7986G>T, p.Met2662Ile (NM_015263.5); short protein forms M1989I, M2588I, M2662I, M2683I, M2684I, M2026I, M2663I.
Identifiers: ClinVar variation 2139128 (VCV002139128.1), dbSNP rs776996655, ClinGen allele CA7561168.
Genomic context (GRCh38, chr15:51,458,733, plus strand): 5'-GAGAAATACACTGTGTATAATGATGAGAGCTTTTACCTTATTAACAGAAAATGCCATGAT[C>A]ATATCAGATTCCTTATGGATGACTTTCGCCTTTCCACCTGGATAGCCCAGATCAGCTTCA-3'
Protein context (NP_001365386.1, residues 2674-2694): KAKVIHKESD[Met2684Ile]IMAFSVNKAN

ClinVar aggregate classification (germline): Uncertain significance (1 of 4 stars; one submission).

Allele frequency attached by ClinVar (database versions not stated): TOPMed below 0.00001; ExAC 0.00001; gnomAD 0.00001; gnomAD exomes 0.00001.
gnomAD v4.1: 7 of 1,613,868 alleles (0.00043%); highest among the groups gnomAD compares: Non-Finnish European, 0.00051%; no homozygotes.

Submission:

Labcorp Genetics (formerly Invitae), Labcorp
Classification: Uncertain significance. Last evaluated: 2022-07-30. Review status: criteria provided, single submitter. Criteria: Invitae Variant Classification Sherloc (09022015). Collection method: clinical testing. Allele origin: germline.
Comment: This sequence change replaces methionine, which is neutral and non-polar, with isoleucine, which is neutral and non-polar, at codon 2663 of the DMXL2 protein (p.Met2663Ile). This variant is present in population databases (rs776996655, gnomAD 0.002%). This variant has not been reported in the literature in individuals affected with DMXL2-related conditions. Algorithms developed to predict the effect of missense changes on protein structure and function (SIFT, PolyPhen-2, Align-GVGD) all suggest that this variant is likely to be tolerated. In summary, the available evidence is currently insufficient to determine the role of this variant in disease. Therefore, it has been classified as a Variant of Uncertain Significance.